The following is an entry in ClinVar:

NM_003482.4(KMT2D):c.13421T>G (p.Leu4474Arg)

Gene: KMT2D (lysine methyltransferase 2D; minus strand). Cytogenetic location: 12q13.12.
Variant type: single nucleotide variant.
Coding change: c.13421T>G on transcript NM_003482.4 (MANE Select); coding-DNA position 13421, T replaced by G.
Protein change: p.Leu4474Arg; replaces leucine 4474 with arginine.
Molecular consequence: missense variant.
Genome position (GRCh38, 1-based): chr12:49,031,284, A>C on the plus strand (T>G on the coding strand, the complement: KMT2D is on the minus strand). VCF-style: chr12-49031284-A-C. GRCh37 (hg19) VCF-style: chr12-49425067-A-C.
Other names: short protein forms L4474R.
Identifiers: ClinVar variation 2081726 (VCV002081726.9), dbSNP rs369396309, ClinGen allele CA6546027.
Genomic context (GRCh38, chr12:49,031,284, plus strand): 5'-TTGCTGTCAATGTGCCCGTTGATCTCAGCTCGCAGCCCCTCGGACCCCCGCCCAGTGCTG[A>C]GTTGCACATTCTTTGCCCGGAGTAGCTTCTGCAAGAGCAGATGCCCAGCTTCTGAGCGAG-3'
Protein context (NP_003473.3, residues 4464-4484): QKLLRAKNVQ[Leu4474Arg]STGRGSEGLR

ClinVar aggregate classification (germline): Conflicting classifications of pathogenicity. Review status: criteria provided, conflicting classifications (1 of 4 stars). 5 submissions from 5 submitters: Uncertain significance (2); Benign (1); Likely benign (2). Last evaluated 2025-03-24.

Conditions:
Kabuki syndrome. Also called: Kabuki make-up syndrome; NIIKAWA-KUROKI SYNDROME. Identifiers: Orphanet 2322, MedGen C0796004, MONDO:0016512.
KMT2D-related disorder. Also called: KMT2D-Related Disorders.
Inborn genetic diseases. Identifiers: MedGen C0950123, MeSH D030342.

Allele frequency attached by ClinVar (database versions not stated): gnomAD 0.00007; TOPMed 0.00008; ESP Exome Variant Server 0.00024.
gnomAD v4.1: 23 of 1,613,354 alleles (0.0014%); highest among the groups gnomAD compares: African/African-American, 0.029%; no homozygotes.

Submissions (5):

PreventionGenetics, part of Exact Sciences
Classification: Uncertain significance for KMT2D-related condition. Last evaluated: 2025-03-24. Review status: criteria provided, single submitter. Criteria: ACMG Guidelines, 2015. Collection method: clinical testing. Allele origin: germline.
Comment: The KMT2D c.13421T>G variant is predicted to result in the amino acid substitution p.Leu4474Arg. To our knowledge, this variant has not been reported in the literature. This variant is reported in 0.019% of alleles in individuals of African descent in gnomAD, which may be too common to be causative. Although we suspect that this variant may be benign, at this time, the clinical significance of this variant is uncertain due to the absence of conclusive functional and genetic evidence.

Labcorp Genetics (formerly Invitae), Labcorp
Classification: Benign for Kabuki syndrome. Last evaluated: 2024-09-12. Review status: criteria provided, single submitter. Criteria: Invitae Variant Classification Sherloc (09022015). Collection method: clinical testing. Allele origin: germline.

Genetic Services Laboratory, University of Chicago
Classification: Uncertain significance. Last evaluated: 2023-02-08. Review status: criteria provided, single submitter. Criteria: ACMG Guidelines, 2015. Collection method: clinical testing. Allele origin: germline. Affected: no.
Comment: DNA sequence analysis of the KMT2D gene demonstrated a sequence change, c.13421T>G, in exon 39 that results in an amino acid change, p.Leu4474Arg. This sequence change does not appear to have been previously described in individuals with KMT2D-related disorders. This sequence change has been described in the gnomAD database with a global frequency of 0.0012% (dbSNP rs369396309). The p.Leu4474Arg change affects a moderately conserved amino acid residue located in a domain of the KMT2D protein that is not known to be functional. In-silico pathogenicity prediction tools (SIFT, PolyPhen2, Align GVGD, REVEL) provide contradictory results for the p.Leu4474Arg substitution. Due to insufficient evidence and the lack of functional studies, the clinical significance of the p.Leu4474Arg change remains unknown at this time.

Blueprint Genetics
Classification: Likely benign. Last evaluated: 2022-06-22. Review status: criteria provided, single submitter. Criteria: ACMG Guidelines, 2015. Collection method: clinical testing. Allele origin: germline.

Ambry Genetics
Classification: Likely benign for Inborn genetic diseases. Last evaluated: 2021-05-26. Review status: criteria provided, single submitter. Criteria: Ambry Variant Classification Scheme 2023. Collection method: clinical testing. Allele origin: germline.